The following is an entry in ClinVar:

ClinVar aggregate classification (germline): Uncertain significance (1 of 4 stars; one submission).

Conditions:
Hereditary cancer-predisposing syndrome. Also called: Neoplastic Syndromes, Hereditary; Tumor predisposition; Hereditary neoplastic syndrome; Hereditary Cancer Syndrome. Identifiers: Orphanet 140162, MedGen C0027672, MeSH D009386, MONDO:0015356.
Cardiovascular phenotype. Identifiers: MedGen CN230736.

Submission:

Ambry Genetics
Classification: Uncertain significance for Cardiovascular phenotype; Hereditary cancer-predisposing syndrome. Last evaluated: 2024-03-04. Review status: criteria provided, single submitter. Criteria: Ambry Variant Classification Scheme 2023. Collection method: clinical testing. Allele origin: germline.
Comment: The c.4269+3G>A intronic variant results from a G to A substitution 3 nucleotides after coding exon 31 in the NF1 gene. This nucleotide position is highly conserved in available vertebrate species. In silico splice site analysis predicts that this alteration will not have any significant effect on splicing. Based on the available evidence, the clinical significance of this alteration remains unclear.

NM_001042492.3(NF1):c.4332+3G>A

Gene: NF1 (neurofibromin 1; plus strand). Cytogenetic location: 17q11.2.
Variant type: single nucleotide variant.
Coding change: c.4332+3G>A on transcript NM_001042492.3 (MANE Select); 3 bases into the intron after coding-DNA position 4332, G replaced by A.
Molecular consequence: intron variant.
Genome position (GRCh38, 1-based): chr17:31,258,505, G>A. VCF-style: chr17-31258505-G-A. GRCh37 (hg19) VCF-style: chr17-29585523-G-A.
Other names: c.4269+3G>A (NM_000267.4).
Identifiers: ClinVar variation 3237775 (VCV003237775.1), dbSNP rs2508409840.